The following is an entry in ClinVar:

ClinVar aggregate classification (germline): Likely benign (1 of 4 stars; one submission).

Submission:

CeGaT Center for Human Genetics Tuebingen
Classification: Likely benign. Last evaluated: 2026-06-01. Review status: criteria provided, single submitter. Criteria: CeGaT Center For Human Genetics Tuebingen Variant Classification Criteria Version 2. Collection method: clinical testing. Allele origin: germline. Affected: yes. Observed: 1 variant allele.
Comment: SOX6: BS1

NM_001367873.1(SOX6):c.1732+4769GT[27]

Gene: SOX6 (SRY-box transcription factor 6; minus strand). Cytogenetic location: 11p15.2.
Variant type: Microsatellite.
Coding change: c.1732+4769GT[27] on transcript NM_001367873.1 (MANE Select); 27 copies in a row of the 2-base unit GT starting at c.1732+4769; the reference has 24 copies in a row; three copies, 6 bases duplicated.
Molecular consequence: intron variant.
Genome position (GRCh38, 1-based): chr11:16,010,126-16,010,131, ACACAC duplicated on the plus strand (GTGTGT on the coding strand, the reverse complement: SOX6 is on the minus strand); duplicating any 6 consecutive bases within chr11:16,010,126-16,010,174 gives the same sequence; the position shown is the placement nearest the transcript's 3' end. VCF-style (leftmost placement, unchanged base first): chr11-16010125-T-TACACAC. GRCh37 (hg19) VCF-style: chr11-16031671-T-TACACAC.
Other names: c.1609+4769GT[27] (NM_001367872.1); c.1732+4769GT[27] (NM_033326.3, NM_001145819.2); c.1651+4769GT[27] (NM_001145811.2, NM_017508.3).
Identifiers: ClinVar variation 4874101 (VCV004874101.2).